The following is an entry in ClinVar:

NM_001384474.1(LOXHD1):c.5693-5C>A

Gene: LOXHD1 (lipoxygenase homology PLAT domains 1; minus strand). Cytogenetic location: 18q21.1.
Variant type: single nucleotide variant.
Coding change: c.5693-5C>A on transcript NM_001384474.1 (MANE Select); 5 bases into the intron before coding-DNA position 5693, C replaced by A.
Molecular consequence: intron variant.
Genome position (GRCh38, 1-based): chr18:46,506,028, G>T on the plus strand (C>A on the coding strand, the complement: LOXHD1 is on the minus strand). VCF-style: chr18-46506028-G-T. GRCh37 (hg19) VCF-style: chr18-44085991-G-T.
Other names: c.2360-5C>A (NM_001145472.3); c.2072-5C>A (NM_001308013.2); c.410-5C>A (NM_001173129.2, NM_001145473.3); c.5507-5C>A (NM_144612.7, NM_144612.6).
Identifiers: ClinVar variation 1416695 (VCV001416695.7), dbSNP rs573563419, ClinGen allele CA299796032.
Genomic context (GRCh38, chr18:46,506,028, plus strand): 5'-ACTATCCCCGTTCTCCCCGAAGATGATGATGAACACGTTGGCATCAGTGCCTGCTCCTGG[G>T]GGGTGCACAAGGTGAGGCTTAGGGTGCCAGCCTCTTTGACACACAGTCCTCTTGCTCTGG-3'

ClinVar aggregate classification (germline): Likely benign. Review status: criteria provided, multiple submitters, no conflicts (2 of 4 stars). 2 submissions from 2 submitters: Likely benign (2). Last evaluated 2025-02-19.

Conditions:
LOXHD1-related disorder. Also called: LOXHD1-related condition.

Allele frequency attached by ClinVar (database versions not stated): gnomAD 0.00001; TOPMed 0.00001.
gnomAD v4.1: 44 of 1,551,926 alleles (0.0028%); highest among the groups gnomAD compares: Non-Finnish European, 0.0037%; no homozygotes.

Submissions (2):

PreventionGenetics, part of Exact Sciences
Classification: Likely benign for LOXHD1-related condition. Last evaluated: 2025-02-19. Review status: criteria provided, single submitter. Criteria: ACMG Guidelines, 2015. Collection method: clinical testing. Allele origin: germline.
Comment: This variant is classified as likely benign based on ACMG/AMP sequence variant interpretation guidelines (Richards et al. 2015 PMID: 25741868, with internal and published modifications).

Labcorp Genetics (formerly Invitae), Labcorp
Classification: Likely benign. Last evaluated: 2025-01-23. Review status: criteria provided, single submitter. Criteria: Invitae Variant Classification Sherloc (09022015). Collection method: clinical testing. Allele origin: germline.